The following is an entry in ClinVar:

ClinVar aggregate classification (germline): Benign. Review status: criteria provided, multiple submitters, no conflicts (2 of 4 stars). 2 submissions from 2 submitters: Benign (2). Last evaluated 2026-01-05.

Conditions:
Long QT syndrome (LQTS). Identifiers: MedGen C0023976, MeSH D008133, MONDO:0002442. Disease mechanism: loss of function. Inheritance: Various modes of inheritance.

Allele frequency attached by ClinVar (database versions not stated): TOPMed 0.00003; gnomAD 0.00006; ESP Exome Variant Server 0.00008; gnomAD exomes 0.00011; ExAC 0.00016; 1000 Genomes Project 30x 0.00031; 1000 Genomes Project 0.00040.
gnomAD v4.1: 137 of 1,611,918 alleles (0.0085%); highest among the groups gnomAD compares: South Asian, 0.11%; 1 homozygote.

Submissions (2):

Labcorp Genetics (formerly Invitae), Labcorp
Classification: Benign for Long QT syndrome. Last evaluated: 2026-01-05. Review status: criteria provided, single submitter. Criteria: Invitae Variant Classification Sherloc (09022015). Collection method: clinical testing. Allele origin: germline.

GeneDx
Classification: Benign. Last evaluated: 2017-08-21. Review status: criteria provided, single submitter. Criteria: GeneDx Variant Classification (06012015). Collection method: clinical testing. Allele origin: germline. Affected: yes.
Comment: This variant is considered likely benign or benign based on one or more of the following criteria: it is a conservative change, it occurs at a poorly conserved position in the protein, it is predicted to be benign by multiple in silico algorithms, and/or has population frequency not consistent with disease.

NM_000719.7(CACNA1C):c.371+16C>T

Gene: CACNA1C (calcium voltage-gated channel subunit alpha1 C; plus strand). Cytogenetic location: 12p13.33.
Variant type: single nucleotide variant.
Coding change: c.371+16C>T on transcript NM_000719.7 (MANE Select); 16 bases into the intron after coding-DNA position 371, C replaced by T.
Molecular consequence: intron variant.
Genome position (GRCh38, 1-based): chr12:2,115,561, C>T. VCF-style: chr12-2115561-C-T. GRCh37 (hg19) VCF-style: chr12-2224727-C-T.
Other names: c.371+16C>T (NM_001167624.3, NM_001167623.2, NM_001167625.2 and 19 more transcripts).
Identifiers: ClinVar variation 517090 (VCV000517090.9), dbSNP rs377534958, ClinGen allele CA6388428.